The following is an entry in ClinVar:

ClinVar aggregate classification (germline): Likely pathogenic (1 of 4 stars; one submission).

Submission:

GeneDx
Classification: Likely pathogenic. Last evaluated: 2016-08-24. Review status: criteria provided, single submitter. Criteria: GeneDx Variant Classification (06012015). Collection method: clinical testing. Allele origin: germline. Affected: yes.
Comment: The c.1936-2A>T variant in the PDE11A gene has not been reported previously as a pathogenic variant nor as a benign variant, to our knowledge. This splice site variant destroys the canonical splice acceptor site in intron 11, which is predicted to cause abnormal gene splicing. The c.1936-2A>T variant was not observed in approximately 6,500 individuals of European and African American ancestry in the NHLBI Exome Sequencing Project, indicating it is not a common benign variant in these populations. The c.1936-2A>T variant is a strong candidate for a pathogenic variant, however, the possibility it may be a rare benign variant cannot be excluded.

NM_016953.4(PDE11A):c.1936-2A>T

Gene: PDE11A (phosphodiesterase 11A; minus strand). Cytogenetic location: 2q31.2.
Variant type: single nucleotide variant.
Coding change: c.1936-2A>T on transcript NM_016953.4 (MANE Select); the canonical splice acceptor site of the intron before coding-DNA position 1936, A replaced by T.
Molecular consequence: splice acceptor variant.
Genome position (GRCh38, 1-based): chr2:177,727,767, T>A on the plus strand (A>T on the coding strand, the complement: PDE11A is on the minus strand). VCF-style: chr2-177727767-T-A. GRCh37 (hg19) VCF-style: chr2-178592495-T-A.
Other names: c.1186-2A>T (NM_001077197.2); c.862-2A>T (NM_001077358.2); c.604-2A>T (NM_001077196.2).
Identifiers: ClinVar variation 422034 (VCV000422034.2), dbSNP rs1064795513, ClinGen allele CA16617329.
Genomic context (GRCh38, chr2:177,727,767, plus strand): 5'-TTGTGGTATAGAACCATCCGATAGTTTTTCCTCACTGTCAAAAGCCACCTACACAGTGTC[T>A]GAAATGGGAGGGAGAGGGTGCGTCAGGCAGTTGTAAGTGATTCTAGTGGACCCTTATCTC-3'